The following is an entry in ClinVar:

NM_000264.5(PTCH1):c.3478_3549+23del

Gene: PTCH1 (patched 1; minus strand). Cytogenetic location: 9q22.32.
Variant type: Deletion.
Coding change: c.3478_3549+23del on transcript NM_000264.5 (MANE Select); coding-DNA position 3478 through 23 bases into the intron after coding-DNA position 3549, 95 bases deleted.
Molecular consequence: splice donor variant.
Genome position (GRCh38, 1-based): chr9:95,449,818-95,449,912, 95 bases deleted. GRCh37 (hg19): chr9:98,212,102-98,212,196.
Other names: c.3475_3546+23del (NM_001083603.3); c.3280_3351+23del (NM_001083602.3); c.3322_3393+23del (NM_001354918.2); c.3025_3096+23del (NM_001083605.3, NM_001083604.3, NM_001083606.3 and 1 more transcripts).
Identifiers: ClinVar variation 4530402 (VCV004530402.1).

ClinVar aggregate classification (somatic clinical impact): Tier I - Strong (1 of 4 stars; one submission).

Conditions:
Medulloblastoma SHH activated. Identifiers: MedGen C4330671, MONDO:0850197.

Submission:

Institute for Genomic Medicine (IGM) Clinical Laboratory, Nationwide Children's Hospital
Classification: Tier I - Strong for Medulloblastoma SHH activated. Assertion type: diagnostic. Clinical significance: supports diagnosis. Last evaluated: 2025-02-19. Review status: criteria provided, single submitter. Criteria: AMP/ASCO/CAP Guidelines, 2017. Collection method: clinical testing. Allele origin: somatic. Affected: yes.
Comment: Variant has Tier I (strong) clinical significance as a diagnostic inclusion criterion in medulloblastoma SHH activated, based on the following evidence: 1) Appears in one or more well-established professional guidelines (e.g., World Health Organization [WHO]; National Comprehensive Cancer Network [NCCN]) as providing diagnostic, prognostic, or therapeutic information. 2) Diagnostic for a specific tumor type/classification according to professional guidelines (Evidence Level A; PMIDs: 21163964, 22820256, 22832583, 22722829, 28726821).

Literature cited by the submitters: PubMed 21163964; PubMed 22820256; PubMed 22832583; PubMed 22722829; PubMed 28726821.